The following is an entry in ClinVar:

ClinVar aggregate classification (germline): Pathogenic/Likely pathogenic. Review status: criteria provided, multiple submitters, no conflicts (2 of 4 stars). 3 submissions from 3 submitters: Pathogenic (2); Likely pathogenic (1). Last evaluated 2025-05-05.

Conditions:
Autosomal recessive limb-girdle muscular dystrophy type 2A (LGMDR1). Also called: LEYDEN-MOEBIUS MUSCULAR DYSTROPHY; Calpainopathy; MUSCULAR DYSTROPHY, PELVOFEMORAL; Limb-girdle muscular dystrophy, type 2A; Muscular dystrophy, limb-girdle, type 2A, Amish. Identifiers: Orphanet 267, MedGen C1869123, MONDO:0009675, OMIM 253600. Disease mechanism: loss of function.

Submissions (3):

First Genomix Gene Laboratory, Genetic Diagnostics Department
Classification: Likely pathogenic for Autosomal recessive limb-girdle muscular dystrophy type 2A. Last evaluated: 2025-05-05. Review status: criteria provided, single submitter. Criteria: ACMG Guidelines, 2015. Collection method: clinical testing. Allele origin: germline. Inheritance: Autosomal recessive inheritance. Affected: no. Observed: 1 variant allele.

Labcorp Genetics (formerly Invitae), Labcorp
Classification: Pathogenic for Autosomal recessive limb-girdle muscular dystrophy type 2A. Last evaluated: 2024-07-22. Review status: criteria provided, single submitter. Criteria: Invitae Variant Classification Sherloc (09022015). Collection method: clinical testing. Allele origin: germline.
Comment: This sequence change creates a premature translational stop signal (p.Glu240*) in the CAPN3 gene. It is expected to result in an absent or disrupted protein product. Loss-of-function variants in CAPN3 are known to be pathogenic (PMID: 10330340, 15689361). This variant is not present in population databases (gnomAD no frequency). This variant has not been reported in the literature in individuals affected with CAPN3-related conditions. ClinVar contains an entry for this variant (Variation ID: 593302). For these reasons, this variant has been classified as Pathogenic.

Eurofins Ntd Llc (ga)
Classification: Pathogenic. Last evaluated: 2017-07-21. Review status: criteria provided, single submitter. Criteria: EGL Classification Definitions 2015. Collection method: clinical testing. Allele origin: germline. Observed: 1 variant allele, 1 heterozygote.

Literature cited by the submitters: PubMed 10330340 (cited by Labcorp Genetics (formerly Invitae), Labcorp); PubMed 15689361 (cited by Labcorp Genetics (formerly Invitae), Labcorp).

NM_000070.3(CAPN3):c.717dup (p.Glu240Ter)

Gene: CAPN3 (calpain 3; plus strand). Cytogenetic location: 15q15.1.
Variant type: Duplication.
Coding change: c.717dup on transcript NM_000070.3 (MANE Select); coding-DNA position 717, one base duplicated (T; older notation c.717dupT).
Protein change: p.Glu240Ter; replaces glutamic acid 240 with a stop codon.
Molecular consequence: nonsense.
Genome position (GRCh38, 1-based): chr15:42,389,012, T duplicated; the last of 6 consecutive T bases (chr15:42,389,007-42,389,012); duplicating any one gives the same sequence. VCF-style (leftmost placement, unchanged base first): chr15-42389006-G-GT. GRCh37 (hg19) VCF-style: chr15-42681204-G-GT.
Other names: c.717dup, p.Glu240Ter (NM_024344.2, NM_173087.2); c.717dupT (NM_000070.3); short protein forms E240*.
Identifiers: ClinVar variation 593302 (VCV000593302.10), dbSNP rs776059672, ClinGen allele CA913190323.